The following is an entry in ClinVar:

ClinVar aggregate classification (germline): Uncertain significance (1 of 4 stars; one submission).

Conditions:
Charcot-Marie-Tooth disease axonal type 2L. Also called: Charcot-Marie-Tooth Neuropathy Type 2L; CHARCOT-MARIE-TOOTH DISEASE, AXONAL, AUTOSOMAL DOMINANT, TYPE 2L; CHARCOT-MARIE-TOOTH NEUROPATHY, AXONAL, TYPE 2L. Identifiers: Orphanet 99945, MedGen C1837552, MONDO:0012096, OMIM 608673.

Submission:

Labcorp Genetics (formerly Invitae), Labcorp
Classification: Uncertain significance for Charcot-Marie-Tooth disease axonal type 2L. Last evaluated: 2024-08-11. Review status: criteria provided, single submitter. Criteria: Invitae Variant Classification Sherloc (09022015). Collection method: clinical testing. Allele origin: germline.
Comment: This sequence change falls in intron 1 of the HSPB8 gene. It does not directly change the encoded amino acid sequence of the HSPB8 protein. This variant is not present in population databases (gnomAD no frequency). This variant has not been reported in the literature in individuals affected with HSPB8-related conditions. In summary, the available evidence is currently insufficient to determine the role of this variant in disease. Therefore, it has been classified as a Variant of Uncertain Significance.

NM_014365.3(HSPB8):c.367+8_367+31dup

Gene: HSPB8 (heat shock protein family B (small) member 8; plus strand). Cytogenetic location: 12q24.23.
Variant type: Duplication.
Coding change: c.367+8_367+31dup on transcript NM_014365.3 (MANE Select); bases 8 to 31 of the intron after coding-DNA position 367, 24 bases duplicated (AGGGGCAGGAGGGAGAGAGAATGG).
Molecular consequence: intron variant.
Genome position (GRCh38, 1-based): chr12:119,179,687-119,179,710, AGGGGCAGGAGGGAGAGAGAATGG duplicated. VCF-style (leftmost placement, unchanged base first): chr12-119179686-C-CAGGGGCAGGAGGGAGAGAGAATGG. GRCh37 (hg19) VCF-style: chr12-119617491-C-CAGGGGCAGGAGGGAGAGAGAATGG.
Identifiers: ClinVar variation 3702933 (VCV003702933.2).